The following is an entry in ClinVar:

ClinVar aggregate classification (germline): Uncertain significance. Review status: criteria provided, multiple submitters, no conflicts (2 of 4 stars). 2 submissions from 2 submitters: Uncertain significance (2). Last evaluated 2025-08-24.

Conditions:
Hereditary cancer-predisposing syndrome. Also called: Neoplastic Syndromes, Hereditary; Tumor predisposition; Hereditary neoplastic syndrome; Hereditary Cancer Syndrome. Identifiers: Orphanet 140162, MedGen C0027672, MeSH D009386, MONDO:0015356.
Cardiovascular phenotype. Identifiers: MedGen CN230736.

Allele frequency attached by ClinVar (database versions not stated): gnomAD exomes below 0.00001; ExAC 0.00001.
gnomAD v4.1: 2 of 1,613,584 alleles (0.00012%); highest among the groups gnomAD compares: Admixed American, 0.0033%; no homozygotes.

Submissions (2):

Labcorp Genetics (formerly Invitae), Labcorp
Classification: Uncertain significance. Last evaluated: 2025-08-24. Review status: criteria provided, single submitter. Criteria: Invitae Variant Classification Sherloc (09022015). Collection method: clinical testing. Allele origin: germline.
Comment: This sequence change replaces lysine, which is basic and polar, with glutamic acid, which is acidic and polar, at codon 656 of the LZTR1 protein (p.Lys656Glu). This variant is present in population databases (rs753177486, gnomAD 0.006%). This variant has not been reported in the literature in individuals affected with LZTR1-related conditions. ClinVar contains an entry for this variant (Variation ID: 3238181). Invitae Evidence Modeling of protein sequence and biophysical properties (such as structural, functional, and spatial information, amino acid conservation, physicochemical variation, residue mobility, and thermodynamic stability) indicates that this missense variant is not expected to disrupt LZTR1 protein function with a negative predictive value of 80%. In summary, the available evidence is currently insufficient to determine the role of this variant in disease. Therefore, it has been classified as a Variant of Uncertain Significance.

Ambry Genetics
Classification: Uncertain significance for Cardiovascular phenotype; Hereditary cancer-predisposing syndrome. Last evaluated: 2023-12-01. Review status: criteria provided, single submitter. Criteria: Ambry Variant Classification Scheme 2023. Collection method: clinical testing. Allele origin: germline.
Comment: The p.K656E variant (also known as c.1966A>G), located in coding exon 17 of the LZTR1 gene, results from an A to G substitution at nucleotide position 1966. The lysine at codon 656 is replaced by glutamic acid, an amino acid with similar properties. This amino acid position is conserved. In addition, the in silico prediction for this alteration is inconclusive. Since supporting evidence is limited at this time, the clinical significance of this alteration remains unclear.

NM_006767.4(LZTR1):c.1966A>G (p.Lys656Glu)

Gene: LZTR1 (leucine zipper like post translational regulator 1; plus strand). Cytogenetic location: 22q11.21.
Variant type: single nucleotide variant.
Coding change: c.1966A>G on transcript NM_006767.4 (MANE Select); coding-DNA position 1966, A replaced by G.
Protein change: p.Lys656Glu; replaces lysine 656 with glutamic acid.
Molecular consequence: missense variant.
Genome position (GRCh38, 1-based): chr22:20,995,769, A>G. VCF-style: chr22-20995769-A-G. GRCh37 (hg19) VCF-style: chr22-21350058-A-G.
Other names: short protein forms K656E.
Identifiers: ClinVar variation 3238181 (VCV003238181.3), dbSNP rs753177486.